The following is an entry in ClinVar:

NM_000548.5(TSC2):c.4369C>A (p.Arg1457=)

Gene: TSC2 (TSC complex subunit 2; plus strand). Cytogenetic location: 16p13.3.
Variant type: single nucleotide variant.
Coding change: c.4369C>A on transcript NM_000548.5 (MANE Select); coding-DNA position 4369, C replaced by A.
Protein change: p.Arg1457=; no amino-acid change (arginine 1457 retained).
Molecular consequence: synonymous variant. On other transcripts: non-coding transcript variant (5).
Genome position (GRCh38, 1-based): chr16:2,084,591, C>A. VCF-style: chr16-2084591-C-A. GRCh37 (hg19) VCF-style: chr16-2134592-C-A.
Other names: c.4168C>A, p.Arg1390= (NM_001077183.3); c.4300C>A, p.Arg1434= (NM_001114382.3); c.4060C>A, p.Arg1354= (NM_001318827.2); c.4024C>A, p.Arg1342= (NM_001318829.2); c.3637C>A, p.Arg1213= (NM_001318831.2); c.4201C>A, p.Arg1401= (NM_001318832.2); c.4171C>A, p.Arg1391= (NM_001363528.2); c.4237C>A, p.Arg1413= (NM_001370404.1); and 26 more.
Identifiers: ClinVar variation 4071450 (VCV004071450.1).
Genomic context (GRCh38, chr16:2,084,591, plus strand): 5'-AGTCGGGGCCAGCCCGAGGGTCCCTTGCCTTCCAGCTCCCCCCGCTCGCCCAGTGGCCTC[C>A]GGCCCCGAGGTTACACCATCTCCGACTCGGCCCCATCACGCAGGGGCAAGAGAGTAGAGA-3'
Protein context (NP_000539.2, residues 1447-1467): SSSPRSPSGL[Arg1457=]PRGYTISDSA

ClinVar aggregate classification (germline): Benign (1 of 4 stars; one submission).

Conditions:
Tuberous sclerosis 2 (TSC2). Identifiers: Orphanet 805, MedGen C1860707, MONDO:0013199, OMIM 613254.

Submission:

Myriad Genetics, Inc.
Classification: Benign for Tuberous sclerosis 2. Last evaluated: 2025-06-03. Review status: criteria provided, single submitter. Criteria: Myriad Autosomal Dominant, Autosomal Recessive and X-Linked Classification Criteria (2023). Collection method: clinical testing. Allele origin: unknown.
Comment: This variant is considered benign. This variant is a silent/synonymous amino acid change and it is not expected to impact splicing.